The following is an entry in ClinVar:

ClinVar aggregate classification (germline): Uncertain significance (1 of 4 stars; one submission).

Conditions:
CHARGE syndrome (CHARGE). Also called: Hittner Hirsch Kreh syndrome; CHARGE ASSOCIATION--COLOBOMA, HEART ANOMALY, CHOANAL ATRESIA, RETARDATION, GENITAL AND EAR ANOMALIES; Coloboma, heart anomaly, choanal atresia, retardation, genital and ear anomalies; CHARGE association; Hall-Hittner syndrome. Identifiers: Orphanet 138, MedGen C0265354, MONDO:0008965.

Allele frequency attached by ClinVar (database versions not stated): gnomAD exomes below 0.00001.
gnomAD v4.1: 2 of 1,602,732 alleles (0.00012%); highest among the groups gnomAD compares: African/African-American, 0.0013%; no homozygotes.

Submission:

Labcorp Genetics (formerly Invitae), Labcorp
Classification: Uncertain significance for CHARGE syndrome. Last evaluated: 2022-07-12. Review status: criteria provided, single submitter. Criteria: Invitae Variant Classification Sherloc (09022015). Collection method: clinical testing. Allele origin: germline.
Comment: In summary, the available evidence is currently insufficient to determine the role of this variant in disease. Therefore, it has been classified as a Variant of Uncertain Significance. Advanced modeling of protein sequence and biophysical properties (such as structural, functional, and spatial information, amino acid conservation, physicochemical variation, residue mobility, and thermodynamic stability) performed at Invitae indicates that this missense variant is not expected to disrupt CHD7 protein function. This variant has not been reported in the literature in individuals affected with CHD7-related conditions. The frequency data for this variant in the population databases is considered unreliable, as metrics indicate poor data quality at this position in the gnomAD database. This sequence change replaces proline, which is neutral and non-polar, with serine, which is neutral and polar, at codon 621 of the CHD7 protein (p.Pro621Ser).

NM_017780.4(CHD7):c.1861C>T (p.Pro621Ser)

Genes: CHD7 (chromodomain helicase DNA binding protein 7; plus strand), LOC126860403 (CDK7 strongly-dependent group 2 enhancer GRCh37_chr8:61693034-61694233; plus strand). Cytogenetic location: 8q12.2.
Variant type: single nucleotide variant.
Coding change: c.1861C>T on transcript NM_017780.4 (MANE Select); coding-DNA position 1861, C replaced by T.
Protein change: p.Pro621Ser; replaces proline 621 with serine.
Molecular consequence: missense variant. On other transcripts: intron variant (1).
Genome position (GRCh38, 1-based): chr8:60,781,195, C>T. VCF-style: chr8-60781195-C-T. GRCh37 (hg19) VCF-style: chr8-61693754-C-T.
Other names: c.1716+145C>T (NM_001316690.1); short protein forms P621S.
Identifiers: ClinVar variation 2177139 (VCV002177139.4), dbSNP rs1352495187, ClinGen allele CA371312567.